The following is an entry in ClinVar:

NM_001164508.2(NEB):c.4407G>C (p.Glu1469Asp)

Gene: NEB (nebulin; minus strand). Cytogenetic location: 2q23.3.
Variant type: single nucleotide variant.
Coding change: c.4407G>C on transcript NM_001164508.2 (MANE Select); coding-DNA position 4407, G replaced by C.
Protein change: p.Glu1469Asp; replaces glutamic acid 1469 with aspartic acid.
Molecular consequence: missense variant.
Genome position (GRCh38, 1-based): chr2:151,671,122, C>G on the plus strand (G>C on the coding strand, the complement: NEB is on the minus strand). VCF-style: chr2-151671122-C-G. GRCh37 (hg19) VCF-style: chr2-152527636-C-G.
Other names: c.4407G>C, p.Glu1469Asp (NM_001164507.2, NM_001271208.2, NM_004543.5); short protein forms E1469D.
Identifiers: ClinVar variation 129743 (VCV000129743.31), dbSNP rs34800215, ClinGen allele CA153988.

ClinVar aggregate classification (germline): Benign. Review status: criteria provided, multiple submitters, no conflicts (2 of 4 stars). 13 submissions from 13 submitters: Benign (10). 3 of the submissions do not count toward it. Last evaluated 2026-02-04.

Conditions:
Nemaline myopathy 2 (NEM2). Also called: Nemaline myopathy 2, autosomal recessive. Identifiers: MedGen C1850569, MONDO:0009725, OMIM 256030.

Allele frequency attached by ClinVar (database versions not stated): gnomAD exomes 0.01822 and 0.01975; ExAC 0.02010; 1000 Genomes Project 0.02716; gnomAD 0.02746 and 0.02813; TOPMed 0.02823; ESP Exome Variant Server 0.02838; 1000 Genomes Project 30x 0.02889.
gnomAD v4.1: 31,142 of 1,613,902 alleles (1.9%); highest among the groups gnomAD compares: African/African-American, 5.3%; 428 homozygotes.

Submissions (13):

Labcorp Genetics (formerly Invitae), Labcorp
Classification: Benign for Nemaline myopathy 2. Last evaluated: 2026-02-04. Review status: criteria provided, single submitter. Criteria: Invitae Variant Classification Sherloc (09022015). Collection method: clinical testing. Allele origin: germline.

Athena Diagnostics
Classification: Benign. Last evaluated: 2025-06-03. Review status: criteria provided, single submitter. Criteria: Athena Diagnostics Criteria. Collection method: clinical testing. Allele origin: unknown.
Comment: The frequency of this variant in the general population is higher than would generally be expected for pathogenic variants in this gene.

Blueprint Genetics
Classification: Benign. Last evaluated: 2024-11-26. Review status: criteria provided, single submitter. Criteria: ACMG Guidelines, 2015. Collection method: clinical testing. Allele origin: germline.

Women's Health and Genetics/Laboratory Corporation of America, LabCorp
Classification: Benign. Last evaluated: 2019-04-01. Review status: criteria provided, single submitter. Criteria: LabCorp Variant Classification Summary - May 2015. Collection method: clinical testing. Allele origin: germline.
Comment: Variant summary: NEB c.4407G>C (p.Glu1469Asp) results in a conservative amino acid change in the encoded protein sequence. Three of four in-silico tools predict a benign effect of the variant on protein function. The variant allele was found at a frequency of 0.02 in 277192 control chromosomes in the gnomAD database, including 91 homozygotes. The observed variant frequency is approximately 6 fold of the estimated maximal expected allele frequency for a pathogenic variant in NEB causing Nemaline Myopathy 2 phenotype (0.0035), strongly suggesting that the variant is benign. To our knowledge, no occurrence of c.4407G>C in individuals affected with Nemaline Myopathy 2 and no experimental evidence demonstrating its impact on protein function have been reported. Four clinical diagnostic laboratories have submitted clinical-significance assessments for this variant to ClinVar after 2014 without evidence for independent evaluation. All laboratories classified the variant as benign/likely benign. Based on the evidence outlined above, the variant was classified as benign.

Illumina Laboratory Services, Illumina
Classification: Benign for Nemaline myopathy 2. Last evaluated: 2018-01-13. Review status: criteria provided, single submitter. Criteria: ICSL Variant Classification Criteria 13 December 2019. Collection method: clinical testing. Allele origin: germline.
Comment: This variant was observed in the ICSL laboratory as part of a predisposition screen in an ostensibly healthy population. It had not been previously curated by ICSL or reported in the Human Gene Mutation Database (HGMD: prior to June 1st, 2018), and was therefore a candidate for classification through an automated scoring system. Utilizing variant allele frequency, disease prevalence and penetrance estimates, and inheritance mode, an automated score was calculated to assess if this variant is too frequent to cause the disease. Based on the score and internal cut-off values, a variant classified as benign is not then subjected to further curation. The score for this variant resulted in a classification of benign for this disease.

Mayo Clinic Laboratories, Mayo Clinic
Classification: Benign. Last evaluated: 2017-12-01. Review status: criteria provided, single submitter. Criteria: ACMG Guidelines, 2015. Collection method: clinical testing. Allele origin: germline. Observed: 31 variant alleles.

GeneDx
Classification: Benign. Last evaluated: 2016-03-12. Review status: criteria provided, single submitter. Criteria: GeneDx Variant Classification (06012015). Collection method: clinical testing. Allele origin: germline. Affected: yes.
Comment: This variant is considered likely benign or benign based on one or more of the following criteria: it is a conservative change, it occurs at a poorly conserved position in the protein, it is predicted to be benign by multiple in silico algorithms, and/or has population frequency not consistent with disease.

Laboratory for Molecular Medicine, Mass General Brigham Personalized Medicine
Classification: Benign. Last evaluated: 2015-01-13. Review status: criteria provided, single submitter. Criteria: LMM Criteria. Collection method: clinical testing. Allele origin: germline. Observed: 3 variant alleles.
Comment: p.Glu1469Asp in exon 38 of NEB: This variant is not expected to have clinical si gnificance because it has been identified in 4.8% (198/4134) of African American chromosomes from a broad population by the NHLBI Exome Sequencing Project (dbSNP rs34800215).

Breakthrough Genomics
Classification: Benign. Review status: criteria provided, single submitter. Criteria: ACMG Guidelines, 2015. Collection method: not provided. Allele origin: germline. Inheritance: Autosomal recessive inheritance. Affected: yes.

PreventionGenetics, part of Exact Sciences
Classification: Benign. Review status: criteria provided, single submitter. Criteria: ACMG Guidelines, 2015. Collection method: clinical testing. Allele origin: germline.

Genetic Services Laboratory, University of Chicago
Classification: Likely benign for AllHighlyPenetrant. Review status: no assertion criteria provided. Collection method: clinical testing. Allele origin: germline. Inheritance: Autosomal recessive inheritance. Not counted in ClinVar's aggregate classification.
Comment: Likely benign based on allele frequency in 1000 Genomes Project or ESP global frequency and its presence in a patient with a rare or unrelated disease phenotype. NOT Sanger confirmed.

Genome Diagnostics Laboratory, University Medical Center Utrecht
Classification: Benign. Review status: no assertion criteria provided. Collection method: clinical testing. Allele origin: germline. Affected: yes. Study: VKGL Data-share Consensus. Not counted in ClinVar's aggregate classification.

Laboratory of Diagnostic Genome Analysis, Leiden University Medical Center (LUMC)
Classification: Likely benign. Review status: no assertion criteria provided. Collection method: clinical testing. Allele origin: germline. Affected: yes. Study: VKGL Data-share Consensus. Not counted in ClinVar's aggregate classification.